The following is an entry in ClinVar:

NM_001350451.2(RBFOX3):c.647C>T (p.Thr216Ile)

Gene: RBFOX3 (RNA binding fox-1 homolog 3; minus strand). Cytogenetic location: 17q25.3.
Variant type: single nucleotide variant.
Coding change: c.647C>T on transcript NM_001350451.2 (MANE Select); coding-DNA position 647, C replaced by T.
Protein change: p.Thr216Ile; replaces threonine 216 with isoleucine.
Molecular consequence: missense variant.
Genome position (GRCh38, 1-based): chr17:79,097,400, G>A on the plus strand (C>T on the coding strand, the complement: RBFOX3 is on the minus strand). VCF-style: chr17-79097400-G-A. GRCh37 (hg19) VCF-style: chr17-77093482-G-A.
Other names: c.647C>T, p.Thr216Ile (NM_001082575.3, NM_001350453.2, NM_001385804.1 and 33 more transcripts); c.644C>T, p.Thr215Ile (NM_001385806.1, NM_001385822.1, NM_001385823.1 and 4 more transcripts); c.554C>T, p.Thr185Ile (NM_001385824.1); c.668C>T, p.Thr223Ile (NM_001385827.1); c.500C>T, p.Thr167Ile (NM_001385847.1); short protein forms T216I, T215I, T223I, T167I, T185I.
Identifiers: ClinVar variation 1501284 (VCV001501284.8), dbSNP rs1671568075, ClinGen allele CA401316565.
Genomic context (GRCh38, chr17:79,097,400, plus strand): 5'-TTATACACGGCCCGGCCCCGGCCCCGAAGATGTGCGCCCCGGTAGGCAACGGCTGTGCCG[G>A]TGGTGGGGTAGGGGAACCCCGTCACTGCAGGAAACGGGGCCCGAGACACGTGTGAGAGGC-3'
Protein context (NP_001337380.1, residues 206-226): YAVTGFPYPT[Thr216Ile]GTAVAYRGAH

ClinVar aggregate classification (germline): Uncertain significance (1 of 4 stars; one submission).

Conditions:
Idiopathic generalized epilepsy. Also called: EIG; Generalised epilepsy. Identifiers: MedGen C0270850, MONDO:0005579, OMIM 600669.

Allele frequency attached by ClinVar (database versions not stated): TOPMed below 0.00001; gnomAD 0.00001; gnomAD exomes 0.00001.
gnomAD v4.1: 4 of 1,547,812 alleles (0.00026%); highest among the groups gnomAD compares: African/African-American, 0.0027%; no homozygotes.

Submission:

Labcorp Genetics (formerly Invitae), Labcorp
Classification: Uncertain significance for Idiopathic generalized epilepsy. Last evaluated: 2024-10-16. Review status: criteria provided, single submitter. Criteria: Invitae Variant Classification Sherloc (09022015). Collection method: clinical testing. Allele origin: germline.
Comment: This sequence change replaces threonine, which is neutral and polar, with isoleucine, which is neutral and non-polar, at codon 216 of the RBFOX3 protein (p.Thr216Ile). This variant is not present in population databases (gnomAD no frequency). This variant has not been reported in the literature in individuals affected with RBFOX3-related conditions. ClinVar contains an entry for this variant (Variation ID: 1501284). Invitae Evidence Modeling of protein sequence and biophysical properties (such as structural, functional, and spatial information, amino acid conservation, physicochemical variation, residue mobility, and thermodynamic stability) indicates that this missense variant is not expected to disrupt RBFOX3 protein function with a negative predictive value of 80%. In summary, the available evidence is currently insufficient to determine the role of this variant in disease. Therefore, it has been classified as a Variant of Uncertain Significance.